The following is an entry in ClinVar:

ClinVar aggregate classification (germline): Pathogenic. Review status: criteria provided, single submitter (1 of 4 stars). 2 submissions from 2 submitters: Pathogenic (1). 1 of the submissions does not count toward it. Last evaluated 2024-05-27.

Conditions:
Epilepsy, familial focal, with variable foci 1 (FFEVF1). Also called: DEPDC5-Related Epilepsy. Identifiers: MedGen C4551983, MONDO:0024556, OMIM 604364.
Familial focal epilepsy with variable foci (FPEVF). Identifiers: Orphanet 98820, MedGen C1858477, MONDO:0020310.

Allele frequency attached by ClinVar (database versions not stated): TOPMed below 0.00001.

Submissions (2):

Labcorp Genetics (formerly Invitae), Labcorp
Classification: Pathogenic for Familial focal epilepsy with variable foci. Last evaluated: 2024-05-27. Review status: criteria provided, single submitter. Criteria: Invitae Variant Classification Sherloc (09022015). Collection method: clinical testing. Allele origin: germline.
Comment: This sequence change affects a donor splice site in intron 10 of the DEPDC5 gene. It is expected to disrupt RNA splicing. Variants that disrupt the donor or acceptor splice site typically lead to a loss of protein function (PMID: 16199547), and loss-of-function variants in DEPDC5 are known to be pathogenic (PMID: 23542697, 23542701). This variant is not present in population databases (gnomAD no frequency). Disruption of this splice site has been observed in individuals with clinical features of familial focal epilepsy with variable foci (FFEVF) (Invitae). ClinVar contains an entry for this variant (Variation ID: 264721). Algorithms developed to predict the effect of sequence changes on RNA splicing suggest that this variant may disrupt the consensus splice site. For these reasons, this variant has been classified as Pathogenic.

GeneReviews
No classification provided. Condition: Epilepsy, familial focal, with variable foci 1. Review status: no classification provided. Collection method: literature only. Allele origin: germline. Affected: yes. Not counted in ClinVar's aggregate classification.

Literature cited by the submitters: PubMed 16199547 (cited by Labcorp Genetics (formerly Invitae), Labcorp); PubMed 23542697 (cited by Labcorp Genetics (formerly Invitae), Labcorp); PubMed 23542701 (cited by Labcorp Genetics (formerly Invitae), Labcorp); PubMed 25599672 (cited by GeneReviews); NCBI Bookshelf NBK385626 (cited by GeneReviews).

NM_001242896.3(DEPDC5):c.624+1G>A

Gene: DEPDC5 (DEP domain containing 5, GATOR1 subcomplex subunit; plus strand). Cytogenetic location: 22q12.2.
Variant type: single nucleotide variant.
Coding change: c.624+1G>A on transcript NM_001242896.3 (MANE Select); the canonical splice donor site of the intron after coding-DNA position 624, G replaced by A.
Molecular consequence: splice donor variant.
Genome position (GRCh38, 1-based): chr22:31,784,876, G>A. VCF-style: chr22-31784876-G-A. GRCh37 (hg19) VCF-style: chr22-32180862-G-A.
Other names: c.624+1G>A (NM_001364318.2, NM_001136029.4, NM_014662.6 and 7 more transcripts); c.540+1G>A (NM_001369902.1, NM_001369901.1).
Identifiers: ClinVar variation 264721 (VCV000264721.12), dbSNP rs886039252, ClinGen allele CA10588029.